The following is an entry in ClinVar:

NM_001009944.3(PKD1):c.7216G>C (p.Ala2406Pro)

Genes: MIR6511B1 (microRNA 6511b-1; minus strand), PKD1 (polycystin 1, transient receptor potential channel interacting; minus strand). Cytogenetic location: 16p13.3.
Variant type: single nucleotide variant.
Coding change: c.7216G>C on transcript NM_001009944.3 (MANE Select); coding-DNA position 7216, G replaced by C.
Protein change: p.Ala2406Pro; replaces alanine 2406 with proline.
Molecular consequence: missense variant. On other transcripts: non-coding transcript variant (1).
Genome position (GRCh38, 1-based): chr16:2,106,671, C>G on the plus strand (G>C on the coding strand, the complement: PKD1 is on the minus strand). VCF-style: chr16-2106671-C-G. GRCh37 (hg19) VCF-style: chr16-2156672-C-G.
Other names: c.7216G>C, p.Ala2406Pro (NM_000296.4); short protein forms A2406P.
Identifiers: ClinVar variation 1304619 (VCV001304619.2), dbSNP rs2151775293, ClinGen allele CA394371278.

ClinVar aggregate classification (germline): Uncertain significance (1 of 4 stars; one submission).

Submission:

GeneDx
Classification: Uncertain significance. Last evaluated: 2020-02-06. Review status: criteria provided, single submitter. Criteria: GeneDx Variant Classification Process June 2021. Collection method: clinical testing. Allele origin: germline. Affected: yes.
Comment: Not observed in large population cohorts (Lek et al., 2016); In silico analysis supports that this missense variant does not alter protein structure/function; Has not been previously published as pathogenic or benign to our knowledge